The following is an entry in ClinVar:

ClinVar aggregate classification (germline): Uncertain significance (1 of 4 stars; one submission).

Conditions:
RASopathy. Also called: Noonan spectrum disorder; rasopathies. Identifiers: Orphanet 536391, MedGen C5555857, MONDO:0021060.

Submission:

Labcorp Genetics (formerly Invitae), Labcorp
Classification: Uncertain significance for RASopathy. Last evaluated: 2024-03-27. Review status: criteria provided, single submitter. Criteria: Invitae Variant Classification Sherloc (09022015). Collection method: clinical testing. Allele origin: germline.
Comment: This sequence change replaces proline, which is neutral and non-polar, with serine, which is neutral and polar, at codon 637 of the SOS1 protein (p.Pro637Ser). This variant is not present in population databases (gnomAD no frequency). This variant has not been reported in the literature in individuals affected with SOS1-related conditions. Advanced modeling of protein sequence and biophysical properties (such as structural, functional, and spatial information, amino acid conservation, physicochemical variation, residue mobility, and thermodynamic stability) has been performed at Invitae for this missense variant, however the output from this modeling did not meet the statistical confidence thresholds required to predict the impact of this variant on SOS1 protein function. In summary, the available evidence is currently insufficient to determine the role of this variant in disease. Therefore, it has been classified as a Variant of Uncertain Significance.

NM_005633.4(SOS1):c.1909C>T (p.Pro637Ser)

Gene: SOS1 (SOS Ras/Rac guanine nucleotide exchange factor 1; minus strand). Cytogenetic location: 2p22.1.
Variant type: single nucleotide variant.
Coding change: c.1909C>T on transcript NM_005633.4 (MANE Select); coding-DNA position 1909, C replaced by T.
Protein change: p.Pro637Ser; replaces proline 637 with serine.
Molecular consequence: missense variant.
Genome position (GRCh38, 1-based): chr2:39,014,796, G>A on the plus strand (C>T on the coding strand, the complement: SOS1 is on the minus strand). VCF-style: chr2-39014796-G-A. GRCh37 (hg19) VCF-style: chr2-39241937-G-A.
Other names: c.1888C>T, p.Pro630Ser (NM_001382394.1); c.1909C>T, p.Pro637Ser (NM_001382395.1); short protein forms P630S, P637S.
Identifiers: ClinVar variation 3647829 (VCV003647829.2).